The following is an entry in ClinVar:

NM_133497.4(KCNV2):c.420C>A (p.Asp140Glu)

Gene: KCNV2 (potassium voltage-gated channel modifier subfamily V member 2; plus strand). Cytogenetic location: 9p24.2.
Variant type: single nucleotide variant.
Coding change: c.420C>A on transcript NM_133497.4 (MANE Select); coding-DNA position 420, C replaced by A.
Protein change: p.Asp140Glu; replaces aspartic acid 140 with glutamic acid.
Molecular consequence: missense variant.
Genome position (GRCh38, 1-based): chr9:2,718,159, C>A. VCF-style: chr9-2718159-C-A. GRCh37 (hg19) VCF-style: chr9-2718159-C-A.
Other names: short protein forms D140E.
Identifiers: ClinVar variation 962362 (VCV000962362.10), dbSNP rs886131960, ClinGen allele CA187971368.

ClinVar aggregate classification (germline): Uncertain significance. Review status: criteria provided, multiple submitters, no conflicts (2 of 4 stars). 3 submissions from 3 submitters: Uncertain significance (3). Last evaluated 2026-09-13.

Conditions:
KCNV2-related disorder. Also called: KCNV2-related condition.

Allele frequency attached by ClinVar (database versions not stated): gnomAD exomes below 0.00001; gnomAD 0.00005; TOPMed 0.00006.
gnomAD v4.1: 11 of 1,612,216 alleles (0.00068%); highest among the groups gnomAD compares: Admixed American, 0.012%; no homozygotes.

Submissions (3):

PreventionGenetics, part of Exact Sciences
Classification: Uncertain significance for KCNV2-related condition. Last evaluated: 2026-09-13. Review status: criteria provided, single submitter. Criteria: ACMG Guidelines, 2015. Collection method: clinical testing. Allele origin: germline.
Comment: The KCNV2 c.420C>A variant is predicted to result in the amino acid substitution p.Asp140Glu. To our knowledge, this variant has not been reported in the literature. This variant is reported in 0.0029% of alleles in individuals of Latino descent in gnomAD. At this time, the clinical significance of this variant is uncertain due to the absence of conclusive functional and genetic evidence.

Labcorp Genetics (formerly Invitae), Labcorp
Classification: Uncertain significance. Last evaluated: 2025-12-22. Review status: criteria provided, single submitter. Criteria: Invitae Variant Classification Sherloc (09022015). Collection method: clinical testing. Allele origin: germline.
Comment: This sequence change replaces aspartic acid, which is acidic and polar, with glutamic acid, which is acidic and polar, at codon 140 of the KCNV2 protein (p.Asp140Glu). This variant is present in population databases (no rsID available, gnomAD 0.003%). This variant has not been reported in the literature in individuals affected with KCNV2-related conditions. ClinVar contains an entry for this variant (Variation ID: 962362). Invitae Evidence Modeling of protein sequence and biophysical properties (such as structural, functional, and spatial information, amino acid conservation, physicochemical variation, residue mobility, and thermodynamic stability) has been performed for this missense variant. However, the output from this modeling did not meet the statistical confidence thresholds required to predict the impact of this variant on KCNV2 protein function. In summary, the available evidence is currently insufficient to determine the role of this variant in disease. Therefore, it has been classified as a Variant of Uncertain Significance.

Blueprint Genetics
Classification: Uncertain significance. Last evaluated: 2020-07-01. Review status: criteria provided, single submitter. Criteria: ACMG Guidelines, 2015. Collection method: clinical testing. Allele origin: germline.